The following is an entry in ClinVar:

ClinVar aggregate classification (germline): Uncertain significance (1 of 4 stars; one submission).

Conditions:
Multiple endocrine neoplasia type 4. Also called: MULTIPLE ENDOCRINE NEOPLASIA, TYPE IV. Identifiers: Orphanet 276152, MedGen C1970712, MONDO:0012552, OMIM 610755.

Submission:

Labcorp Genetics (formerly Invitae), Labcorp
Classification: Uncertain significance for Multiple endocrine neoplasia type 4. Last evaluated: 2024-02-27. Review status: criteria provided, single submitter. Criteria: Invitae Variant Classification Sherloc (09022015). Collection method: clinical testing. Allele origin: germline.
Comment: This sequence change results in a frameshift in the CDKN1B gene (p.Asp158Asnfs*48). While this is not anticipated to result in nonsense mediated decay, it is expected to disrupt the last 41 amino acid(s) of the CDKN1B protein and extend the protein by 6 additional amino acid residues. This variant is not present in population databases (gnomAD no frequency). This variant has not been reported in the literature in individuals affected with CDKN1B-related conditions. Experimental studies and prediction algorithms are not available or were not evaluated, and the functional significance of this variant is currently unknown. In summary, the available evidence is currently insufficient to determine the role of this variant in disease. Therefore, it has been classified as a Variant of Uncertain Significance.

NM_004064.5(CDKN1B):c.468_471dup (p.Asp158fs)

Gene: CDKN1B (cyclin dependent kinase inhibitor 1B; plus strand). Cytogenetic location: 12p13.1.
Variant type: Duplication.
Coding change: c.468_471dup on transcript NM_004064.5 (MANE Select); coding-DNA positions 468 to 471, 4 bases duplicated (AACC; older notation c.468_471dupAACC).
Protein change: p.Asp158fs; shifts the reading frame from aspartic acid 158.
Molecular consequence: frameshift variant.
Genome position (GRCh38, 1-based): chr12:12,718,307-12,718,310, AACC duplicated; duplicating any 4 consecutive bases within chr12:12,718,306-12,718,310 gives the same sequence; the c. name uses the placement nearest the transcript's 3' end. VCF-style (leftmost placement, unchanged base first): chr12-12718305-G-GCAAC. GRCh37 (hg19) VCF-style: chr12-12871239-G-GCAAC.
Other names: short protein forms D158fs.
Identifiers: ClinVar variation 3643545 (VCV003643545.2).